The following is an entry in ClinVar:

ClinVar aggregate classification (germline): Uncertain significance (1 of 4 stars; one submission).

Conditions:
Cardiovascular phenotype. Identifiers: MedGen CN230736.

Submission:

Molecular Diagnostic Laboratory for Inherited Cardiovascular Disease, Montreal Heart Institute
Classification: Uncertain significance for Cardiovascular phenotype. Last evaluated: 2025-04-09. Review status: criteria provided, single submitter. Criteria: ACMG Guidelines, 2015. Collection method: clinical testing. Allele origin: germline. Affected: yes.
Comment: PM2

NM_006073.3:c.425-3_(484+1243_485-1)dup

Gene: TRDN (triadin; minus strand).
Variant type: Duplication.
Identifiers: ClinVar variation 3895133 (VCV003895133.1).